The following is an entry in ClinVar:

ClinVar aggregate classification (germline): Uncertain significance (1 of 4 stars; one submission).

Submission:

Labcorp Genetics (formerly Invitae), Labcorp
Classification: Uncertain significance. Last evaluated: 2021-11-18. Review status: criteria provided, single submitter. Criteria: Invitae Variant Classification Sherloc (09022015). Collection method: clinical testing. Allele origin: germline.
Comment: This sequence change replaces threonine, which is neutral and polar, with proline, which is neutral and non-polar, at codon 90 of the PRDX1 protein (p.Thr90Pro). This variant is not present in population databases (gnomAD no frequency). This variant has not been reported in the literature in individuals affected with PRDX1-related conditions. Algorithms developed to predict the effect of missense changes on protein structure and function are either unavailable or do not agree on the potential impact of this missense change (SIFT: "Tolerated"; PolyPhen-2: "Probably Damaging"; Align-GVGD: "Class C0"). In summary, the available evidence is currently insufficient to determine the role of this variant in disease. Therefore, it has been classified as a Variant of Uncertain Significance.

NM_181697.3(PRDX1):c.268A>C (p.Thr90Pro)

Gene: PRDX1 (peroxiredoxin 1; minus strand). Cytogenetic location: 1p34.1.
Variant type: single nucleotide variant.
Coding change: c.268A>C on transcript NM_181697.3 (MANE Select); coding-DNA position 268, A replaced by C.
Protein change: p.Thr90Pro; replaces threonine 90 with proline.
Molecular consequence: missense variant.
Genome position (GRCh38, 1-based): chr1:45,514,988, T>G on the plus strand (A>C on the coding strand, the complement: PRDX1 is on the minus strand). VCF-style: chr1-45514988-T-G. GRCh37 (hg19) VCF-style: chr1-45980660-T-G.
Other names: c.268A>C, p.Thr90Pro (NM_001202431.2, NM_002574.4, NM_181696.3); short protein forms T90P.
Identifiers: ClinVar variation 2110727 (VCV002110727.4), dbSNP rs2522864533, ClinGen allele CA340137045.